The following is an entry in ClinVar:

NM_016653.3(MAP3K20):c.744+9A>G

Genes: MAP3K20 (mitogen-activated protein kinase kinase kinase 20; plus strand), MAP3K20-AS1 (MAP3K20 antisense RNA 1; minus strand). Cytogenetic location: 2q31.1.
Variant type: single nucleotide variant.
Coding change: c.744+9A>G on transcript NM_016653.3 (MANE Select); 9 bases into the intron after coding-DNA position 744, A replaced by G.
Molecular consequence: intron variant.
Genome position (GRCh38, 1-based): chr2:173,203,879, A>G. VCF-style: chr2-173203879-A-G. GRCh37 (hg19) VCF-style: chr2-174068607-A-G.
Other names: c.744+9A>G (NM_133646.3, NM_016653.2).
Identifiers: ClinVar variation 1595771 (VCV001595771.11), dbSNP rs148211031, ClinGen allele CA1970496.

ClinVar aggregate classification (germline): Benign/Likely benign. Review status: criteria provided, multiple submitters, no conflicts (2 of 4 stars). 2 submissions from 2 submitters: Benign (1); Likely benign (1). Last evaluated 2026-01-18.

Allele frequency attached by ClinVar (database versions not stated): gnomAD exomes 0.00015 and 0.00038; ExAC 0.00053; 1000 Genomes Project 30x 0.00125; 1000 Genomes Project 0.00140; gnomAD 0.00164 and 0.00181; TOPMed 0.00191; ESP Exome Variant Server 0.00200.
gnomAD v4.1: 472 of 1,612,006 alleles (0.029%); highest among the groups gnomAD compares: African/African-American, 0.59%; no homozygotes.

Submissions (2):

Labcorp Genetics (formerly Invitae), Labcorp
Classification: Benign. Last evaluated: 2026-01-18. Review status: criteria provided, single submitter. Criteria: Invitae Variant Classification Sherloc (09022015). Collection method: clinical testing. Allele origin: germline.

Women's Health and Genetics/Laboratory Corporation of America, LabCorp
Classification: Likely benign. Last evaluated: 2025-01-08. Review status: criteria provided, single submitter. Criteria: LabCorp Variant Classification Summary - May 2015. Collection method: clinical testing. Allele origin: germline.
Comment: Variant summary: MAP3K20 c.744+9A>G alters a non-conserved nucleotide located at a position not widely known to affect splicing. Consensus agreement among computation tools predict no significant impact on normal splicing. However, these predictions have yet to be confirmed by functional studies. The variant allele was found at a frequency of 0.00029 in 1612006 control chromosomes. This frequency is not significantly higher than estimated for a pathogenic variant in MAP3K20 causing MAP3K20-Related Disorders, allowing no conclusion about variant significance. To our knowledge, no occurrence of c.744+9A>G in individuals affected with MAP3K20-Related Disorders and no experimental evidence demonstrating its impact on protein function have been reported. ClinVar contains an entry for this variant (Variation ID: 1595771). Based on the evidence outlined above, the variant was classified as likely benign.